The following is an entry in ClinVar:

NM_006267.5(RANBP2):c.4976A>G (p.Glu1659Gly)

Gene: RANBP2 (RAN binding protein 2; plus strand). Cytogenetic location: 2q13.
Variant type: single nucleotide variant.
Coding change: c.4976A>G on transcript NM_006267.5 (MANE Select); coding-DNA position 4976, A replaced by G.
Protein change: p.Glu1659Gly; replaces glutamic acid 1659 with glycine.
Molecular consequence: missense variant.
Genome position (GRCh38, 1-based): chr2:108,765,515, A>G. VCF-style: chr2-108765515-A-G. GRCh37 (hg19) VCF-style: chr2-109381971-A-G.
Other names: short protein forms E1659G.
Identifiers: ClinVar variation 660074 (VCV000660074.10), dbSNP rs372348140, ClinGen allele CA1823206.

ClinVar aggregate classification (germline): Uncertain significance. Review status: criteria provided, multiple submitters, no conflicts (2 of 4 stars). 2 submissions from 2 submitters: Uncertain significance (2). Last evaluated 2025-01-22.

Conditions:
Familial acute necrotizing encephalopathy (IIAE3). Also called: Susceptibility to Acute Necrotizing Encephalopathy 1; ENCEPHALOPATHY, ACUTE, INFECTION-INDUCED, SUSCEPTIBILITY TO, 3. Identifiers: Orphanet 88619, MedGen C2675556, MONDO:0011953, OMIM 608033.

Allele frequency attached by ClinVar (database versions not stated): gnomAD exomes below 0.00001 and 0.00002; ExAC 0.00001; TOPMed 0.00001; ESP Exome Variant Server 0.00009.
gnomAD v4.1: 9 of 1,564,612 alleles (0.00058%); highest among the groups gnomAD compares: Non-Finnish European, 0.00069%; no homozygotes.

Submissions (2):

Ambry Genetics
Classification: Uncertain significance. Last evaluated: 2025-01-22. Review status: criteria provided, single submitter. Criteria: Ambry Variant Classification Scheme 2023. Collection method: clinical testing. Allele origin: germline.

Labcorp Genetics (formerly Invitae), Labcorp
Classification: Uncertain significance for Familial acute necrotizing encephalopathy. Last evaluated: 2021-02-24. Review status: criteria provided, single submitter. Criteria: Invitae Variant Classification Sherloc (09022015). Collection method: clinical testing. Allele origin: germline.
Comment: In summary, the available evidence is currently insufficient to determine the role of this variant in disease. Therefore, it has been classified as a Variant of Uncertain Significance. Algorithms developed to predict the effect of missense changes on protein structure and function are either unavailable or do not agree on the potential impact of this missense change (SIFT: "Deleterious"; PolyPhen-2: "Benign"; Align-GVGD: "Class C65"). This variant has not been reported in the literature in individuals with RANBP2-related conditions. This variant is present in population databases (rs372348140, ExAC 0.002%). This sequence change replaces glutamic acid with glycine at codon 1659 of the RANBP2 protein (p.Glu1659Gly). The glutamic acid residue is highly conserved and there is a moderate physicochemical difference between glutamic acid and glycine.